The following is an entry in ClinVar:

NM_000059.4(BRCA2):c.7690_7691del (p.His2563_Thr2564insTer)

Gene: BRCA2 (BRCA2 DNA repair associated; plus strand). Cytogenetic location: 13q13.1.
Variant type: Microsatellite.
Coding change: c.7690_7691del on transcript NM_000059.4 (MANE Select); coding-DNA positions 7690 to 7691, 2 bases deleted (AC; older notation c.7690_7691delAC).
Protein change: p.His2563_Thr2564insTer.
Molecular consequence: nonsense. On other transcripts: frameshift variant (4).
Genome position (GRCh38, 1-based): chr13:32,357,814-32,357,815, AC deleted; deleting any 2 consecutive bases within chr13:32,357,811-32,357,815 gives the same sequence; the c. name uses the placement nearest the transcript's 3' end. VCF-style (leftmost placement, unchanged base first): chr13-32357810-TCA-T. GRCh37 (hg19) VCF-style: chr13-32931947-TCA-T.
Other names: c.7592_7593AC[1], p.Thr2532Terfs (NM_001406719.1); c.7688_7689AC[1], p.Thr2564Terfs (NM_001406720.1); c.2756_2757AC[1], p.Thr920Terfs (NM_001406721.1); c.1271_1272AC[1], p.Thr425Terfs (NM_001406722.1).
Identifiers: ClinVar variation 2107585 (VCV002107585.5), dbSNP rs2548542545, ClinGen allele CA2580614660.

ClinVar aggregate classification (germline): Pathogenic. Review status: criteria provided, multiple submitters, no conflicts (2 of 4 stars). 2 submissions from 2 submitters: Pathogenic (2). Last evaluated 2024-12-23.

Conditions:
Breast-ovarian cancer, familial, susceptibility to, 2 (BROVCA2). Also called: BRCA2 Hereditary Breast and Ovarian Cancer. Identifiers: Orphanet 145, MedGen C2675520, MONDO:0012933, OMIM 612555. Disease mechanism: loss of function.
Hereditary breast ovarian cancer syndrome. Also called: Hereditary breast and ovarian cancer; Hereditary breast and/or ovarian cancer syndrome; Breast and ovarian cancer; Hereditary breast and ovarian cancer syndrome; Hereditary breast and ovarian cancer syndrome (HBOC); BRCA1- and BRCA2-Associated Hereditary Breast and Ovarian Cancer. Identifiers: Orphanet 145, MedGen C0677776, MeSH D061325, MONDO:0003582. Disease mechanism: loss of function.

Submissions (2):

Myriad Genetics, Inc.
Classification: Pathogenic for Breast-ovarian cancer, familial, susceptibility to, 2. Last evaluated: 2024-12-23. Review status: criteria provided, single submitter. Criteria: Myriad Autosomal Dominant, Autosomal Recessive and X-Linked Classification Criteria (2023). Collection method: clinical testing. Allele origin: unknown.
Comment: This variant is considered pathogenic. This variant creates a termination codon and is predicted to result in premature protein truncation.

Labcorp Genetics (formerly Invitae), Labcorp
Classification: Pathogenic for Hereditary breast ovarian cancer syndrome. Last evaluated: 2024-02-11. Review status: criteria provided, single submitter. Criteria: Invitae Variant Classification Sherloc (09022015). Collection method: clinical testing. Allele origin: germline.
Comment: This sequence change creates a premature translational stop signal (p.Thr2564*) in the BRCA2 gene. It is expected to result in an absent or disrupted protein product. Loss-of-function variants in BRCA2 are known to be pathogenic (PMID: 20104584). This variant is not present in population databases (gnomAD no frequency). This variant has not been reported in the literature in individuals affected with BRCA2-related conditions. For these reasons, this variant has been classified as Pathogenic.

Literature cited by the submitters: PubMed 20104584 (cited by Labcorp Genetics (formerly Invitae), Labcorp).